The following is an entry in ClinVar:

ClinVar aggregate classification (germline): Pathogenic/Likely pathogenic. Review status: criteria provided, multiple submitters, no conflicts (2 of 4 stars). 6 submissions from 6 submitters: Pathogenic (5); Likely pathogenic (1). Last evaluated 2026-04-20.

Conditions:
Hereditary cancer-predisposing syndrome. Also called: Hereditary Cancer Syndrome; Neoplastic Syndromes, Hereditary; Tumor predisposition; Hereditary neoplastic syndrome. Identifiers: Orphanet 140162, MedGen C0027672, MeSH D009386, MONDO:0015356.
Breast-ovarian cancer, familial, susceptibility to, 5 (BROVCA5). Identifiers: MedGen C5830615, MONDO:0957530, OMIM 620442.
Hereditary breast ovarian cancer syndrome. Also called: BRCA1- and BRCA2-Associated Hereditary Breast and Ovarian Cancer; Hereditary breast and ovarian cancer; Hereditary breast and ovarian cancer syndrome (HBOC); Hereditary breast and/or ovarian cancer syndrome; Breast and ovarian cancer; Hereditary breast and ovarian cancer syndrome. Identifiers: Orphanet 145, MedGen C0677776, MeSH D061325, MONDO:0003582. Disease mechanism: loss of function.
Familial cancer of breast. Also called: hereditary breast carcinoma; Hereditary breast cancer; BREAST CANCER, FAMILIAL. Identifiers: Orphanet 227535, MedGen C0346153, MONDO:0016419, OMIM 114480. Disease mechanism: loss of function.

Allele frequency attached by ClinVar (database versions not stated): gnomAD exomes below 0.00001.

Submissions (6):

GeneDx
Classification: Pathogenic. Last evaluated: 2026-04-20. Review status: criteria provided, single submitter. Criteria: GeneDx Variant Classification Process June 2021. Collection method: clinical testing. Allele origin: germline.
Comment: Frameshift variant predicted to result in protein truncation or nonsense mediated decay in a gene for which loss of function is a known mechanism of disease; Not observed at significant frequency in large population cohorts (gnomAD); Truncating variants in this gene are considered pathogenic by a well-established clinical consortium and/or database; Has not been previously published in an individual with PALB2-related disease as pathogenic or benign to our knowledge; This variant is associated with the following publications: (PMID: 39020067, 35150601)

Ambry Genetics
Classification: Pathogenic for Hereditary cancer-predisposing syndrome. Last evaluated: 2025-09-03. Review status: criteria provided, single submitter. Criteria: Ambry Variant Classification Scheme 2023. Collection method: clinical testing. Allele origin: germline.
Comment: The c.2479delA pathogenic mutation, located in coding exon 5 of the PALB2 gene, results from a deletion of one nucleotide at nucleotide position 2479, causing a translational frameshift with a predicted alternate stop codon (p.T827Hfs*24). This variant is considered to be rare based on population cohorts in the Genome Aggregation Database (gnomAD). This alteration is expected to result in loss of function by premature protein truncation or nonsense-mediated mRNA decay. As such, this alteration is interpreted as a disease-causing mutation.

Genomic Medicine Center of Excellence, King Faisal Specialist Hospital and Research Centre
Classification: Pathogenic for Breast-ovarian cancer, familial, susceptibility to, 5. Last evaluated: 2024-12-17. Review status: criteria provided, single submitter. Criteria: ACMG Guidelines, 2015. Collection method: clinical testing. Allele origin: germline.

Labcorp Genetics (formerly Invitae), Labcorp
Classification: Pathogenic for Familial cancer of breast. Last evaluated: 2023-08-18. Review status: criteria provided, single submitter. Criteria: Invitae Variant Classification Sherloc (09022015). Collection method: clinical testing. Allele origin: germline.
Comment: For these reasons, this variant has been classified as Pathogenic. ClinVar contains an entry for this variant (Variation ID: 821329). This variant has not been reported in the literature in individuals affected with PALB2-related conditions. This variant is not present in population databases (gnomAD no frequency). This sequence change creates a premature translational stop signal (p.Thr827Hisfs*24) in the PALB2 gene. It is expected to result in an absent or disrupted protein product. Loss-of-function variants in PALB2 are known to be pathogenic (PMID: 17200668, 17200671, 17200672, 24136930, 25099575).

KCCC/NGS Laboratory, Kuwait Cancer Control Center
Classification: Pathogenic for Breast-ovarian cancer, familial, susceptibility to, 5. Last evaluated: 2023-07-07. Review status: criteria provided, single submitter. Criteria: ACMG Guidelines, 2015. Collection method: clinical testing. Allele origin: unknown. Affected: yes.
Comment: This sequence change creates a premature translational stop signal (p.Thr827Hisfs*24) in the PALB2 gene. It is expected to result in an absent or disrupted protein product. This variant is not found in gnomAD genomes. Another but similar variant affecting the same codon (p.Thr827Metfs*6) has been observed in an individual with a personal and/or family history of breast and/or ovarian cancer (PMID: 29566657). ClinVar contains an entry for this variant (Variation ID: 821329). Loss-offunction variants in PALB2 are known to be pathogenic (PMID: 17200668, 24136930, 25099575). Therefore, this variant has been classified as Pathogenic.

Laboratory for Molecular Medicine, Mass General Brigham Personalized Medicine
Classification: Likely pathogenic for Hereditary breast ovarian cancer syndrome. Last evaluated: 2023-02-02. Review status: criteria provided, single submitter. Criteria: ACMG Guidelines, 2015. Collection method: clinical testing. Allele origin: germline.
Comment: The p.Thr827HisfsX24 variant in PALB2 has not been reported in individuals with hereditary breast cancer or Fanconi anemia and was absent from large population databases. The variant has been reported in ClinVar (Variation ID 821329). This variant is predicted to cause a frameshift, which alters the protein’s amino acid sequence beginning at position 827 and leads to a premature termination codon 24 amino acids downstream. Loss of function of PALB2 is an established disease mechanism for autosomal dominant hereditary breast cancer and autosomal recessive Fanconi anemia. In summary, although additional studies are required to fully establish its clinical significance, this variant meets criteria to be classified as likely pathogenic for autosomal dominant hereditary breast cancer and autosomal recessive Fanconi anemia. ACMG/AMP criteria applied: PVS1, PM2_Supporting.

Literature cited by the submitters: PubMed 17200668 (cited by Labcorp Genetics (formerly Invitae), Labcorp); PubMed 17200671 (cited by Labcorp Genetics (formerly Invitae), Labcorp); PubMed 17200672 (cited by Labcorp Genetics (formerly Invitae), Labcorp); PubMed 24136930 (cited by Labcorp Genetics (formerly Invitae), Labcorp); PubMed 25099575 (cited by Labcorp Genetics (formerly Invitae), Labcorp).

NM_024675.4(PALB2):c.2479del (p.Thr827fs)

Gene: PALB2 (partner and localizer of BRCA2; minus strand). Cytogenetic location: 16p12.2.
Variant type: Deletion.
Coding change: c.2479del on transcript NM_024675.4 (MANE Select); coding-DNA position 2479, one base deleted (A; older notation c.2479delA).
Protein change: p.Thr827fs; shifts the reading frame from threonine 827.
Molecular consequence: frameshift variant.
Genome position (GRCh38, 1-based): chr16:23,629,675, T deleted on the plus strand (A on the coding strand, the reverse complement: PALB2 is on the minus strand). VCF-style (leftmost placement, unchanged base first): chr16-23629674-GT-G. GRCh37 (hg19) VCF-style: chr16-23640995-GT-G.
Other names: c.2479delA (NM_024675.3); short protein forms T827fs.
Identifiers: ClinVar variation 821329 (VCV000821329.14), dbSNP rs1597088811, ClinGen allele CA915949182.
Genomic context (GRCh38, chr16:23,629,674, plus strand): 5'-AATTTCACAGAGGAAATGGATTGTACCTGTTCGACGGAATGTTTATGCAGCTCCTGGCAT[GT>G]GTTTCTACAGAGCTGATTTTCTTTAAAAGTGAATGACTCAATGGGTGGAGGTGTTCCTGG-3'